The following is an entry in ClinVar:

NM_018406.7(MUC4):c.11590T>G (p.Ser3864Ala)

Gene: MUC4 (mucin 4, cell surface associated). Cytogenetic location: 3q29.
Variant type: single nucleotide variant.
Coding change: c.11590T>G on transcript NM_018406.7 (MANE Select); coding-DNA position 11590, T replaced by G.
Protein change: p.Ser3864Ala; replaces serine 3864 with alanine.
Molecular consequence: missense variant. On other transcripts: genic upstream transcript variant (2).
Genome position (GRCh38, 1-based): chr3:195,779,990, A>C on the plus strand (T>G on the coding strand, the complement: MUC4 is on the minus strand). VCF-style: chr3-195779990-A-C. GRCh37 (hg19) VCF-style: chr3-195506861-A-C.
Other names: c.16648T>G, p.Ser5550Ala (NM_001322468.1); c.83-5685T>G (NM_138297.5); c.83-1535T>G (NM_004532.6); short protein forms S3864A, S5550A.
Identifiers: ClinVar variation 2672973 (VCV002672973.23), dbSNP rs748222141, ClinGen allele CA2769361.

ClinVar aggregate classification (germline): Likely benign (1 of 4 stars; one submission).

Allele frequency attached by ClinVar (database versions not stated): gnomAD 0.00028; ExAC 0.00071.

Submission:

CeGaT Center for Human Genetics Tuebingen
Classification: Likely benign. Last evaluated: 2023-11-01. Review status: criteria provided, single submitter. Criteria: CeGaT Center For Human Genetics Tuebingen Variant Classification Criteria Version 2. Collection method: clinical testing. Allele origin: germline. Affected: yes. Observed: 1 variant allele.
Comment: MUC4: BP4, BS2